The following is an entry in ClinVar:

NM_007294.4(BRCA1):c.241C>G (p.Gln81Glu)

Gene: BRCA1 (BRCA1 DNA repair associated; minus strand). Cytogenetic location: 17q21.31.
Variant type: single nucleotide variant.
Coding change: c.241C>G on transcript NM_007294.4 (MANE Select); coding-DNA position 241, C replaced by G.
Protein change: p.Gln81Glu; replaces glutamine 81 with glutamic acid.
Molecular consequence: missense variant. On other transcripts: non-coding transcript variant (1).
Genome position (GRCh38, 1-based): chr17:43,104,928, G>C on the plus strand (C>G on the coding strand, the complement: BRCA1 is on the minus strand). VCF-style: chr17-43104928-G-C. GRCh37 (hg19) VCF-style: chr17-41256945-G-C.
Other names: c.100C>G, p.Gln34Glu (NM_001408496.1, NM_001408497.1, NM_001408498.1 and 99 more transcripts); c.31C>G, p.Gln11Glu (NM_001408502.1, NM_001408506.1, NM_001408507.1 and 58 more transcripts); c.-141C>G (NM_001408510.1, NM_001408512.1, NM_001407959.1 and 4 more transcripts); c.241C>G, p.Gln81Glu (NM_007298.4, NM_007299.4, NM_007300.4 and 168 more transcripts); c.163C>G, p.Gln55Glu (NM_001407653.1, NM_001407654.1, NM_001407655.1 and 21 more transcripts); c.109C>G, p.Gln37Glu (NM_001408451.1); short protein forms Q81E, Q34E, Q55E, Q11E, Q37E.
Identifiers: ClinVar variation 462586 (VCV000462586.16), dbSNP rs80357350, ClinGen allele CA10601674.
Genomic context (GRCh38, chr17:43,104,928, plus strand): 5'-ACTCCAAACCTGTGTCAAGCTGAAAAGCACAAATGATTTTCAATAGCTCTTCAACAAGTT[G>C]ACTAAATCTCGTACTTTCTTGTAGGCTCCTGAAATTAAATTGTTTGAGAAACACACTCAG-3'
Protein context (NP_009225.1, residues 71-91): RSLQESTRFS[Gln81Glu]LVEELLKIIC

ClinVar aggregate classification (germline): Uncertain significance. Review status: criteria provided, multiple submitters, no conflicts (2 of 4 stars). 3 submissions from 3 submitters: Uncertain significance (3). Last evaluated 2021-08-05.

Conditions:
Hereditary breast ovarian cancer syndrome. Also called: Hereditary breast and ovarian cancer syndrome (HBOC); BRCA1- and BRCA2-Associated Hereditary Breast and Ovarian Cancer; Hereditary breast and/or ovarian cancer syndrome; Hereditary breast and ovarian cancer syndrome; Hereditary breast and ovarian cancer; Breast and ovarian cancer. Identifiers: Orphanet 145, MedGen C0677776, MeSH D061325, MONDO:0003582. Disease mechanism: loss of function.
Hereditary cancer-predisposing syndrome. Also called: Neoplastic Syndromes, Hereditary; Hereditary neoplastic syndrome; Tumor predisposition; Hereditary Cancer Syndrome. Identifiers: Orphanet 140162, MedGen C0027672, MeSH D009386, MONDO:0015356.

Submissions (4):

Ambry Genetics
Classification: Uncertain significance for Hereditary cancer-predisposing syndrome. Last evaluated: 2021-08-05. Review status: criteria provided, single submitter. Criteria: Ambry Variant Classification Scheme 2023. Collection method: clinical testing. Allele origin: germline.
Comment: The p.Q81E variant (also known as c.241C>G), located in coding exon 4 of the BRCA1 gene, results from a C to G substitution at nucleotide position 241. The glutamine at codon 81 is replaced by glutamic acid, an amino acid with highly similar properties. This alteration was partially functional in a high-throughput, genome editing, haploid cell survival assay but showed wild-type like function in other assays (Findlay GM et al. Nature, 2018 10;562:217-222; Starita LM et al. Am J Hum Genet, 2018 10;103:498-508). This amino acid position is highly conserved in available vertebrate species. In addition, this alteration is predicted to be deleterious by in silico analysis. Since supporting evidence is limited at this time, the clinical significance of this alteration remains unclear.

Color Diagnostics, LLC DBA Color Health
Classification: Uncertain significance for Hereditary cancer-predisposing syndrome. Last evaluated: 2019-12-11. Review status: criteria provided, single submitter. Criteria: ACMG Guidelines, 2015. Collection method: clinical testing. Allele origin: germline.
Comment: This missense variant replaces glutamine with glutamic acid at codon 81 of the BRCA1 protein. Computational prediction is inconclusive regarding the impact of this variant on protein structure and function (internally defined REVEL score threshold 0.5 < inconclusive < 0.7, PMID: 27666373). Splice site prediction tools suggest that this variant may not impact RNA splicing. Functional assays showed that this variant is functional in a homology-directed DNA repair HDR assay (PMID: 30219179). Additionally, this variant has been reported to be intermediate functional in a haploid cell proliferation assay (PMID: 30209399). This variant has not been reported in individuals affected with hereditary cancer in the literature. This variant has not been identified in the general population by the Genome Aggregation Database (gnomAD). The available evidence is insufficient to determine the role of this variant in disease conclusively. Therefore, this variant is classified as a Variant of Uncertain Significance.

Labcorp Genetics (formerly Invitae), Labcorp
Classification: Uncertain significance for Hereditary breast ovarian cancer syndrome. Last evaluated: 2017-01-22. Review status: criteria provided, single submitter. Criteria: Invitae Variant Classification Sherloc (09022015). Collection method: clinical testing. Allele origin: germline.
Comment: In summary, this variant is a novel missense change with uncertain impact on protein function. It has been classified as a Variant of Uncertain Significance. Algorithms developed to predict the effect of missense changes on protein structure and function do not agree on the potential impact of this missense change (SIFT: "Tolerated"; PolyPhen-2: "Possibly Damaging"; Align-GVGD: "Class C0"). This variant is not present in population databases (ExAC no frequency) and has not been reported in the literature in individuals with a BRCA1-related disease. This sequence change replaces glutamine with glutamic acid at codon 81 of the BRCA1 protein (p.Gln81Glu). The glutamine residue is moderately conserved and there is a small physicochemical difference between glutamine and glutamic acid.

Brotman Baty Institute, University of Washington
No classification provided (evidence only). Condition: Breast-ovarian cancer, familial 1. Review status: no classification provided. Collection method: in vitro. Allele origin: not applicable. Functional consequence: function_uncertain_variant. Not counted in ClinVar's aggregate classification.
ClinVar note: "not provided" was previously submitted as the classification for the variant. However, the classification appeared to be based only on an observation of functional data so it was converted to no classification on 2025-07-30.

Literature cited by the submitters: PubMed 30209399 (cited by Ambry Genetics); PubMed 30219179 (cited by Ambry Genetics).